The following is an entry in ClinVar:

ClinVar aggregate classification (germline): Uncertain significance (1 of 4 stars; one submission).

Conditions:
Heterotopia, periventricular, X-linked dominant (PVNH1). Also called: PERIVENTRICULAR NODULAR HETEROTOPIA 1; X-linked periventricular heterotopia; PERIVENTRICULAR NODULAR HETEROTOPIA 4; HETEROTOPIA, PERIVENTRICULAR, 1. Identifiers: Orphanet 2149, Orphanet 82004, MedGen C1848213, MONDO:0010233, OMIM 300049.
Oto-palato-digital syndrome, type II (OPD2). Also called: OPD II SYNDROME; Otopalatodigital Syndrome, Type II; Otopalatodigital Syndrome Type 2 (FLNA-OPD2); FACIOPALATOOSSEOUS SYNDROME. Identifiers: Orphanet 669, Orphanet 90652, MedGen C1844696, MONDO:0010571, OMIM 304120.
Melnick-Needles syndrome (MNS). Also called: MELNICK-NEEDLES OSTEODYSPLASTY; OSTEODYSPLASTY OF MELNICK AND NEEDLES; Melnick-Needles Syndrome (FLNA-MNS). Identifiers: Orphanet 2484, MedGen C0025237, MONDO:0010650, OMIM 309350.
Frontometaphyseal dysplasia (FMD1). Identifiers: Orphanet 1826, MedGen C0265293, MONDO:0015942.

Submission:

Labcorp Genetics (formerly Invitae), Labcorp
Classification: Uncertain significance for Oto-palato-digital syndrome, type II; Heterotopia, periventricular, X-linked dominant; Frontometaphyseal dysplasia; Melnick-Needles syndrome. Last evaluated: 2021-12-09. Review status: criteria provided, single submitter. Criteria: Invitae Variant Classification Sherloc (09022015). Collection method: clinical testing. Allele origin: germline.
Comment: In summary, the available evidence is currently insufficient to determine the role of this variant in disease. Therefore, it has been classified as a Variant of Uncertain Significance. Variants that disrupt the consensus splice site are a relatively common cause of aberrant splicing (PMID: 17576681, 9536098). Algorithms developed to predict the effect of sequence changes on RNA splicing suggest that this variant may disrupt the consensus splice site. Algorithms developed to predict the effect of missense changes on protein structure and function (SIFT, PolyPhen-2, Align-GVGD) all suggest that this variant is likely to be disruptive. This variant has not been reported in the literature in individuals affected with FLNA-related conditions. This variant is not present in population databases (gnomAD no frequency). This sequence change replaces glycine, which is neutral and non-polar, with arginine, which is basic and polar, at codon 2000 of the FLNA protein (p.Gly2000Arg). This variant also falls at the last nucleotide of exon 36, which is part of the consensus splice site for this exon.

Literature cited by the submitters: PubMed 17576681; PubMed 9536098.

NM_001110556.2(FLNA):c.6022G>C (p.Gly2008Arg)

Gene: FLNA (filamin A; minus strand). Cytogenetic location: Xq28.
Variant type: single nucleotide variant.
Coding change: c.6022G>C on transcript NM_001110556.2 (MANE Select); coding-DNA position 6022, G replaced by C.
Protein change: p.Gly2008Arg; replaces glycine 2008 with arginine.
Molecular consequence: missense variant.
Genome position (GRCh38, 1-based): chrX:154,353,296, C>G on the plus strand (G>C on the coding strand, the complement: FLNA is on the minus strand). VCF-style: chrX-154353296-C-G. GRCh37 (hg19) VCF-style: chrX-153581664-C-G.
Other names: c.5998G>C, p.Gly2000Arg (NM_001456.4); short protein forms G2000R, G2008R.
Identifiers: ClinVar variation 1355431 (VCV001355431.6), dbSNP rs2148105300, ClinGen allele CA415196874.